The following is an entry in ClinVar:

NM_001033855.3(DCLRE1C):c.1442del (p.Lys481fs)

Gene: DCLRE1C (DNA cross-link repair 1C; minus strand). Cytogenetic location: 10p13.
Variant type: Deletion.
Coding change: c.1442del on transcript NM_001033855.3 (MANE Select); coding-DNA position 1442, one base deleted (A; older notation c.1442delA).
Protein change: p.Lys481fs; shifts the reading frame from lysine 481.
Molecular consequence: frameshift variant. On other transcripts: non-coding transcript variant (4).
Genome position (GRCh38, 1-based): chr10:14,909,045, T deleted on the plus strand (A on the coding strand, the reverse complement: DCLRE1C is on the minus strand); the first of 4 consecutive T bases (chr10:14,909,045-14,909,048); deleting any one gives the same sequence. VCF-style (leftmost placement, unchanged base first): chr10-14909044-CT-C. GRCh37 (hg19) VCF-style: chr10-14951043-CT-C.
Other names: c.1082del, p.Lys361fs (NM_001033857.3, NM_001033858.3, NM_001289077.2 and 2 more transcripts); c.1097del, p.Lys366fs (NM_001289076.2, NM_001289078.2, NM_001350966.2 and 1 more transcripts); c.1442del, p.Lys481fs (NM_001350965.2); short protein forms K366fs, K361fs, K481fs.
Identifiers: ClinVar variation 1453673 (VCV001453673.7), dbSNP rs2131776743, ClinGen allele CA2573145023.
Genomic context (GRCh38, chr10:14,909,044, plus strand): 5'-ATCTGTGATTTCATCATTTCTTTTAAAGAATACTTCCCACTGGGGTACATCCCCATCAGC[CT>C]TTTGCAGGTGAAGTACAGAGCCCAGATCTCCTTGCAGTGAAGCTGGGATTCCTACTTCTT-3'

ClinVar aggregate classification (germline): Pathogenic/Likely pathogenic. Review status: criteria provided, multiple submitters, no conflicts (2 of 4 stars). 2 submissions from 2 submitters: Pathogenic (1); Likely pathogenic (1). Last evaluated 2022-11-21.

Conditions:
Histiocytic medullary reticulosis. Also called: SEVERE COMBINED IMMUNODEFICIENCY WITH HYPEREOSINOPHILIA; Omenn syndrome. Identifiers: Orphanet 39041, MedGen C2700553, MONDO:0011338, OMIM 603554.
Severe combined immunodeficiency due to DCLRE1C deficiency (RS-SCID). Also called: SCID, AUTOSOMAL RECESSIVE, T CELL-NEGATIVE, B CELL-NEGATIVE, NK CELL-POSITIVE, WITH SENSITIVITY TO IONIZING RADIATION. Identifiers: Orphanet 275, MedGen C1865371, MONDO:0011225, OMIM 602450.

Submissions (2):

Baylor Genetics
Classification: Likely pathogenic for Histiocytic medullary reticulosis. Last evaluated: 2022-11-21. Review status: criteria provided, single submitter. Criteria: ACMG Guidelines, 2015. Collection method: clinical testing. Allele origin: unknown.

Labcorp Genetics (formerly Invitae), Labcorp
Classification: Pathogenic for Athabaskan severe combined immunodeficiency. Last evaluated: 2021-09-06. Review status: criteria provided, single submitter. Criteria: Invitae Variant Classification Sherloc (09022015). Collection method: clinical testing. Allele origin: germline.
Comment: This variant is not present in population databases (ExAC no frequency). This sequence change creates a premature translational stop signal (p.Lys481Argfs*63) in the DCLRE1C gene. While this is not anticipated to result in nonsense mediated decay, it is expected to disrupt the last 212 amino acid(s) of the DCLRE1C protein. This variant has not been reported in the literature in individuals affected with DCLRE1C-related conditions. This variant disrupts a region of the DCLRE1C protein in which other variant(s) (p.Thr557Asnfs*21) have been determined to be pathogenic (PMID: 26476407). This suggests that this is a clinically significant region of the protein, and that variants that disrupt it are likely to be disease-causing. For these reasons, this variant has been classified as Pathogenic.

Literature cited by the submitters: PubMed 26476407 (cited by Labcorp Genetics (formerly Invitae), Labcorp).